The following is an entry in ClinVar:

NM_001375524.1(TRRAP):c.5248A>T (p.Asn1750Tyr)

Genes: TRRAP (transformation/transcription domain associated protein; plus strand), LOC126860121 (MED14-independent group 3 enhancer GRCh37_chr7:98547245-98548444; plus strand). Cytogenetic location: 7q22.1.
Variant type: single nucleotide variant.
Coding change: c.5248A>T on transcript NM_001375524.1 (MANE Select); coding-DNA position 5248, A replaced by T.
Protein change: p.Asn1750Tyr; replaces asparagine 1750 with tyrosine.
Molecular consequence: missense variant.
Genome position (GRCh38, 1-based): chr7:98,950,176, A>T. VCF-style: chr7-98950176-A-T. GRCh37 (hg19) VCF-style: chr7-98547799-A-T.
Other names: c.5227A>T, p.Asn1743Tyr (NM_001244580.2); c.5173A>T, p.Asn1725Tyr (NM_003496.4); short protein forms N1743Y, N1750Y, N1725Y.
Identifiers: ClinVar variation 1960726 (VCV001960726.5), dbSNP rs2484855143, ClinGen allele CA368317296.
Genomic context (GRCh38, chr7:98,950,176, plus strand): 5'-GGTCGTTTTCTCTGCAACATGACATTCTTAAAAGAGTATATGGAGGAAGAGATTCCCAAA[A>T]ATTACAGCATCGCTCAGAAACGTGCCCTGTTCTTTCGCTTTGTAGACTTCAACGACCCCA-3'
Protein context (NP_001362453.1, residues 1740-1760): KEYMEEEIPK[Asn1750Tyr]YSIAQKRALF

ClinVar aggregate classification (germline): Uncertain significance (1 of 4 stars; one submission).

Submission:

Labcorp Genetics (formerly Invitae), Labcorp
Classification: Uncertain significance. Last evaluated: 2022-09-01. Review status: criteria provided, single submitter. Criteria: Invitae Variant Classification Sherloc (09022015). Collection method: clinical testing. Allele origin: germline.
Comment: In summary, the available evidence is currently insufficient to determine the role of this variant in disease. Therefore, it has been classified as a Variant of Uncertain Significance. Algorithms developed to predict the effect of missense changes on protein structure and function are either unavailable or do not agree on the potential impact of this missense change (SIFT: "Tolerated"; PolyPhen-2: "Possibly Damaging"; Align-GVGD: "Class C0"). This variant has not been reported in the literature in individuals affected with TRRAP-related conditions. This variant is not present in population databases (gnomAD no frequency). This sequence change replaces asparagine, which is neutral and polar, with tyrosine, which is neutral and polar, at codon 1725 of the TRRAP protein (p.Asn1725Tyr).